The following is an entry in ClinVar:

ClinVar aggregate classification (germline): Uncertain significance (1 of 4 stars; one submission).

Conditions:
Brown-Vialetto-van Laere syndrome 2. Also called: SPINOCEREBELLAR ATAXIA WITH BLINDNESS AND DEAFNESS 2; Riboflavin transporter deficiency type 2. Identifiers: Orphanet 572543, Orphanet 97229, MedGen C3553538, MONDO:0013867, OMIM 614707.

Allele frequency attached by ClinVar (database versions not stated): gnomAD exomes below 0.00001.

Submission:

Labcorp Genetics (formerly Invitae), Labcorp
Classification: Uncertain significance for Brown-Vialetto-van Laere syndrome 2. Last evaluated: 2021-12-13. Review status: criteria provided, single submitter. Criteria: Invitae Variant Classification Sherloc (09022015). Collection method: clinical testing. Allele origin: germline.
Comment: This sequence change replaces proline, which is neutral and non-polar, with leucine, which is neutral and non-polar, at codon 304 of the SLC52A2 protein (p.Pro304Leu). In summary, the available evidence is currently insufficient to determine the role of this variant in disease. Therefore, it has been classified as a Variant of Uncertain Significance. Advanced modeling of protein sequence and biophysical properties (such as structural, functional, and spatial information, amino acid conservation, physicochemical variation, residue mobility, and thermodynamic stability) performed at Invitae indicates that this missense variant is expected to disrupt SLC52A2 protein function. This variant has not been reported in the literature in individuals affected with SLC52A2-related conditions. This variant is not present in population databases (gnomAD no frequency).

NM_001363118.2(SLC52A2):c.911C>T (p.Pro304Leu)

Gene: SLC52A2 (solute carrier family 52 member 2; plus strand). Cytogenetic location: 8q24.3.
Variant type: single nucleotide variant.
Coding change: c.911C>T on transcript NM_001363118.2 (MANE Select); coding-DNA position 911, C replaced by T.
Protein change: p.Pro304Leu; replaces proline 304 with leucine.
Molecular consequence: missense variant. On other transcripts: non-coding transcript variant (1).
Genome position (GRCh38, 1-based): chr8:144,360,403, C>T. VCF-style: chr8-144360403-C-T. GRCh37 (hg19) VCF-style: chr8-145584063-C-T.
Other names: c.911C>T, p.Pro304Leu (NM_001253815.2, NM_001253816.2, NM_001363120.2 and 2 more transcripts); c.419C>T, p.Pro140Leu (NM_001363122.2); short protein forms P304L, P140L.
Identifiers: ClinVar variation 1435959 (VCV001435959.6), dbSNP rs2130646783, ClinGen allele CA372628323.
Genomic context (GRCh38, chr8:144,360,403, plus strand): 5'-CCGCCACCAACGCGCTGACCAATGGCGTGCTGCCTGCCGTGCAGAGCTTTTCCTGCTTAC[C>T]CTACGGGCGTCTGGCCTACCACCTGGCTGTGGTGCTGGGCAGTGCTGCCAATCCCCTGGC-3'
Protein context (NP_001350047.1, residues 294-314): LPAVQSFSCL[Pro304Leu]YGRLAYHLAV